The following is an entry in ClinVar:

ClinVar aggregate classification (germline): Pathogenic (1 of 4 stars; one submission).

Conditions:
Primary ciliary dyskinesia 3. Identifiers: Orphanet 244, MedGen C1837618, MONDO:0012085, OMIM 608644.

Submission:

Myriad Genetics, Inc.
Classification: Pathogenic for Primary ciliary dyskinesia 3. Last evaluated: 2025-05-24. Review status: criteria provided, single submitter. Criteria: Myriad Autosomal Dominant, Autosomal Recessive and X-Linked Classification Criteria (2023). Collection method: clinical testing. Allele origin: unknown.
Comment: NM_001369.2(DNAH5):c.11368delA(R3790Gfs*6) is expected to be pathogenic in the context of primary ciliary dyskinesia, DNAH5-related. This variant is predicted to lead to an abnormal or absent protein product due to the creation of a premature termination codon in DNAH5, a gene where loss-of-function variants are known to be pathogenic. Please note: this variant was assessed in the context of healthy population screening.

NM_001369.3(DNAH5):c.11368del (p.Arg3790fs)

Genes: DNAH5 (dynein axonemal heavy chain 5; minus strand), LOC107457585 (meiotic recombination hotspot J; plus strand). Cytogenetic location: 5p15.2.
Variant type: Deletion.
Coding change: c.11368del on transcript NM_001369.3 (MANE Select); coding-DNA position 11368, one base deleted (A; older notation c.11368delA).
Protein change: p.Arg3790fs; shifts the reading frame from arginine 3790.
Molecular consequence: frameshift variant.
Genome position (GRCh38, 1-based): chr5:13,737,339, T deleted on the plus strand (A on the coding strand, the reverse complement: DNAH5 is on the minus strand); the first of 5 consecutive T bases (chr5:13,737,339-13,737,343); deleting any one gives the same sequence. VCF-style (leftmost placement, unchanged base first): chr5-13737338-CT-C. GRCh37 (hg19) VCF-style: chr5-13737447-CT-C.
Other names: short protein forms R3790fs.
Identifiers: ClinVar variation 5014506 (VCV005014506.1).